The following is an entry in ClinVar:

ClinVar aggregate classification (germline): Likely benign. Review status: criteria provided, multiple submitters, no conflicts (2 of 4 stars). 2 submissions from 2 submitters: Likely benign (2). Last evaluated 2025-12-01.

Allele frequency attached by ClinVar (database versions not stated): gnomAD 0.00015; ExAC 0.00020; ESP Exome Variant Server 0.00022; TOPMed 0.00028; 1000 Genomes Project 0.00060; 1000 Genomes Project 30x 0.00078.
gnomAD v4.1: 95 of 1,551,590 alleles (0.0061%); highest among the groups gnomAD compares: Middle Eastern, 0.083%; no homozygotes.

Submissions (2):

CeGaT Center for Human Genetics Tuebingen
Classification: Likely benign. Last evaluated: 2025-12-01. Review status: criteria provided, single submitter. Criteria: CeGaT Center For Human Genetics Tuebingen Variant Classification Criteria Version 2. Collection method: clinical testing. Allele origin: germline. Affected: yes. Observed: 3 variant alleles.
Comment: SETD1B: BP4, BP7

Blueprint Genetics
Classification: Likely benign. Last evaluated: 2024-08-20. Review status: criteria provided, single submitter. Criteria: ACMG Guidelines, 2015. Collection method: clinical testing. Allele origin: germline.

NM_001353345.2(SETD1B):c.5103C>T (p.Tyr1701=)

Gene: SETD1B (SET domain containing 1B, histone lysine methyltransferase; plus strand). Cytogenetic location: 12q24.31.
Variant type: single nucleotide variant.
Coding change: c.5103C>T on transcript NM_001353345.2 (MANE Select); coding-DNA position 5103, C replaced by T.
Protein change: p.Tyr1701=; no amino-acid change (tyrosine 1701 retained).
Molecular consequence: synonymous variant.
Genome position (GRCh38, 1-based): chr12:121,823,682, C>T. VCF-style: chr12-121823682-C-T. GRCh37 (hg19) VCF-style: chr12-122261588-C-T.
Identifiers: ClinVar variation 2643482 (VCV002643482.25), dbSNP rs149007444, ClinGen allele CA6839253.